The following is an entry in ClinVar:

ClinVar aggregate classification (germline): Uncertain significance (1 of 4 stars; one submission).

Allele frequency attached by ClinVar (database versions not stated): gnomAD 0.00001; gnomAD exomes 0.00001; ExAC 0.00003.
gnomAD v4.1: 16 of 1,614,046 alleles (0.00099%); highest among the groups gnomAD compares: South Asian, 0.016%; no homozygotes.

Submission:

Labcorp Genetics (formerly Invitae), Labcorp
Classification: Uncertain significance. Last evaluated: 2024-06-03. Review status: criteria provided, single submitter. Criteria: Invitae Variant Classification Sherloc (09022015). Collection method: clinical testing. Allele origin: germline.
Comment: This sequence change replaces valine, which is neutral and non-polar, with isoleucine, which is neutral and non-polar, at codon 229 of the TFAP2A protein (p.Val229Ile). This variant is present in population databases (rs749849069, gnomAD 0.02%). This variant has not been reported in the literature in individuals affected with TFAP2A-related conditions. ClinVar contains an entry for this variant (Variation ID: 2143533). An algorithm developed to predict the effect of missense changes on protein structure and function (PolyPhen-2) suggests that this variant is likely to be tolerated. In summary, the available evidence is currently insufficient to determine the role of this variant in disease. Therefore, it has been classified as a Variant of Uncertain Significance.

NM_001372066.1(TFAP2A):c.691G>A (p.Val231Ile)

Genes: TFAP2A (transcription factor AP-2 alpha; minus strand), TFAP2A-AS2 (TFAP2A antisense RNA 2; plus strand), LOC121740638 (BRD4-independent group 4 enhancer GRCh37_chr6:10403277-10404476; plus strand). Cytogenetic location: 6p24.3.
Variant type: single nucleotide variant.
Coding change: c.691G>A on transcript NM_001372066.1 (MANE Select); coding-DNA position 691, G replaced by A.
Protein change: p.Val231Ile; replaces valine 231 with isoleucine.
Molecular consequence: missense variant. On other transcripts: non-coding transcript variant (1).
Genome position (GRCh38, 1-based): chr6:10,404,587, C>T on the plus strand (G>A on the coding strand, the complement: TFAP2A is on the minus strand). VCF-style: chr6-10404587-C-T. GRCh37 (hg19) VCF-style: chr6-10404820-C-T.
Other names: c.667G>A, p.Val223Ile (NM_001032280.3); c.673G>A, p.Val225Ile (NM_001042425.3); short protein forms V223I, V225I, V231I.
Identifiers: ClinVar variation 2143533 (VCV002143533.4), dbSNP rs749849069, ClinGen allele CA3631270.